The following is an entry in ClinVar:

NM_001371986.1(UNC80):c.2909A>G (p.Asn970Ser)

Gene: UNC80 (unc-80 subunit of NALCN channel complex; plus strand). Cytogenetic location: 2q34.
Variant type: single nucleotide variant.
Coding change: c.2909A>G on transcript NM_001371986.1 (MANE Select); coding-DNA position 2909, A replaced by G.
Protein change: p.Asn970Ser; replaces asparagine 970 with serine.
Molecular consequence: missense variant.
Genome position (GRCh38, 1-based): chr2:209,834,135, A>G. VCF-style: chr2-209834135-A-G. GRCh37 (hg19) VCF-style: chr2-210698859-A-G.
Other names: c.2909A>G, p.Asn970Ser (NM_032504.2); c.2894A>G, p.Asn965Ser (NM_182587.4); c.2909A>G (NM_032504.1); short protein forms N970S, N965S.
Identifiers: ClinVar variation 1394303 (VCV001394303.5), dbSNP rs1468505788, ClinGen allele CA350411720.

ClinVar aggregate classification (germline): Uncertain significance. Review status: criteria provided, multiple submitters, no conflicts (2 of 4 stars). 3 submissions from 3 submitters: Uncertain significance (3). Last evaluated 2025-12-05.

Conditions:
Inborn genetic diseases. Identifiers: MedGen C0950123, MeSH D030342.

Allele frequency attached by ClinVar (database versions not stated): gnomAD 0.00001; gnomAD exomes 0.00001 and 0.00009; TOPMed 0.00006.
gnomAD v4.1: 24 of 1,551,540 alleles (0.0015%); highest among the groups gnomAD compares: Admixed American, 0.041%; no homozygotes.

Submissions (3):

GeneDx
Classification: Uncertain significance. Last evaluated: 2025-12-05. Review status: criteria provided, single submitter. Criteria: GeneDx Variant Classification Process June 2021. Collection method: clinical testing. Allele origin: germline.
Comment: In silico analysis indicates that this missense variant does not alter protein structure/function; Has not been previously published as pathogenic or benign to our knowledge

Ambry Genetics
Classification: Uncertain significance for Inborn genetic diseases. Last evaluated: 2024-01-04. Review status: criteria provided, single submitter. Criteria: Ambry Variant Classification Scheme 2023. Collection method: clinical testing. Allele origin: germline.

Labcorp Genetics (formerly Invitae), Labcorp
Classification: Uncertain significance. Last evaluated: 2022-08-14. Review status: criteria provided, single submitter. Criteria: Invitae Variant Classification Sherloc (09022015). Collection method: clinical testing. Allele origin: germline.
Comment: This sequence change replaces asparagine, which is neutral and polar, with serine, which is neutral and polar, at codon 970 of the UNC80 protein (p.Asn970Ser). This variant is present in population databases (no rsID available, gnomAD 0.05%). This variant has not been reported in the literature in individuals affected with UNC80-related conditions. ClinVar contains an entry for this variant (Variation ID: 1394303). Algorithms developed to predict the effect of missense changes on protein structure and function are either unavailable or do not agree on the potential impact of this missense change (SIFT: "Not Available"; PolyPhen-2: "Benign"; Align-GVGD: "Not Available"). In summary, the available evidence is currently insufficient to determine the role of this variant in disease. Therefore, it has been classified as a Variant of Uncertain Significance.